The following is an entry in ClinVar:

NM_005634.3(SOX3):c.292G>A (p.Gly98Ser)

Gene: SOX3 (SRY-box transcription factor 3; minus strand). Cytogenetic location: Xq27.1.
Variant type: single nucleotide variant.
Coding change: c.292G>A on transcript NM_005634.3 (MANE Select); coding-DNA position 292, G replaced by A.
Protein change: p.Gly98Ser; replaces glycine 98 with serine.
Molecular consequence: missense variant.
Genome position (GRCh38, 1-based): chrX:140,504,769, C>T on the plus strand (G>A on the coding strand, the complement: SOX3 is on the minus strand). VCF-style: chrX-140504769-C-T. GRCh37 (hg19) VCF-style: chrX-139586934-C-T.
Other names: short protein forms G98S.
Identifiers: ClinVar variation 2682488 (VCV002682488.1), dbSNP rs1394331993, ClinGen allele CA414479087.

ClinVar aggregate classification (germline): Uncertain significance (1 of 4 stars; one submission).

Submission:

Women's Health and Genetics/Laboratory Corporation of America, LabCorp
Classification: Uncertain significance. Last evaluated: 2023-11-13. Review status: criteria provided, single submitter. Criteria: LabCorp Variant Classification Summary - May 2015. Collection method: clinical testing. Allele origin: germline.
Comment: Variant summary: SOX3 c.292G>A (p.Gly98Ser) results in a non-conservative amino acid change in the encoded protein sequence. Three of five in-silico tools predict a benign effect of the variant on protein function. The variant was absent in 113962 control chromosomes (gnomAD). The available data on variant occurrences in the general population are insufficient to allow any conclusion about variant significance. To our knowledge, no occurrence of c.292G>A in individuals affected with SOX3-Related Disorders and no experimental evidence demonstrating its impact on protein function have been reported. No submitters have cited clinical-significance assessments for this variant to ClinVar after 2014. Based on the evidence outlined above, the variant was classified as uncertain significance.